The following is an entry in ClinVar:

ClinVar aggregate classification (germline): Uncertain significance (1 of 4 stars; one submission).

gnomAD v4.1: 1 of 152,046 alleles (0.00066%); highest among the groups gnomAD compares: Non-Finnish European, 0.0015%; no homozygotes.

Submission:

CeGaT Center for Human Genetics Tuebingen
Classification: Uncertain significance. Last evaluated: 2024-08-01. Review status: criteria provided, single submitter. Criteria: CeGaT Center For Human Genetics Tuebingen Variant Classification Criteria Version 2. Collection method: clinical testing. Allele origin: germline. Affected: yes. Observed: 1 variant allele.
Comment: PHACTR1: PM2

NM_030948.6(PHACTR1):c.251-39256A>G

Gene: PHACTR1 (phosphatase and actin regulator 1; plus strand). Cytogenetic location: 6p24.1.
Variant type: single nucleotide variant.
Coding change: c.251-39256A>G on transcript NM_030948.6 (MANE Select); 39256 bases into the intron before coding-DNA position 251, A replaced by G.
Molecular consequence: intron variant. On other transcripts: missense variant (1).
Genome position (GRCh38, 1-based): chr6:13,014,109, A>G. VCF-style: chr6-13014109-A-G. GRCh37 (hg19) VCF-style: chr6-13014341-A-G.
Other names: c.223A>G, p.Asn75Asp (NM_001322314.4); c.251-39256A>G (NM_001242648.4, NM_001374581.2, NM_001322308.3 and 3 more transcripts); c.-26-39256A>G (NM_001322313.2, NM_001322312.3, NM_001322311.2 and 1 more transcripts); short protein forms N75D.
Identifiers: ClinVar variation 3341892 (VCV003341892.16).